The following is an entry in ClinVar:

NM_001003694.2(BRPF1):c.1951_1958dup (p.Phe653fs)

Gene: BRPF1 (bromodomain and PHD finger containing 1; plus strand). Cytogenetic location: 3p25.3.
Variant type: Duplication.
Coding change: c.1951_1958dup on transcript NM_001003694.2 (MANE Select); coding-DNA positions 1951 to 1958, 8 bases duplicated (AACATCTT; older notation c.1951_1958dupAACATCTT).
Protein change: p.Phe653fs; shifts the reading frame from phenylalanine 653.
Molecular consequence: frameshift variant. On other transcripts: non-coding transcript variant (1).
Genome position (GRCh38, 1-based): chr3:9,742,121-9,742,128, AACATCTT duplicated. VCF-style (leftmost placement, unchanged base first): chr3-9742120-C-CAACATCTT. GRCh37 (hg19) VCF-style: chr3-9783804-C-CAACATCTT.
Other names: c.1951_1958dup, p.Phe653fs (NM_001438342.1, NM_001438343.1, NM_001438344.1 and 7 more transcripts); short protein forms F653fs.
Identifiers: ClinVar variation 4846973 (VCV004846973.1).
Genomic context (GRCh38, chr3:9,742,120, plus strand): 5'-GACTCCTTTCCTCATCCTCCTTCGCAAAACCTTGGAGCAGCTCCAAGAGAAGGACACAGG[C>CAACATCTT]AACATCTTCAGCGAGCCGGTCCCTCTGTCTGAGGTAACCGAATTGGACGAAGTAAGAATC-3'

ClinVar aggregate classification (germline): Likely pathogenic (1 of 4 stars; one submission).

Conditions:
Intellectual developmental disorder with dysmorphic facies and ptosis (IDDDFP). Identifiers: Orphanet 698090, MedGen C4310617, MONDO:0015022, OMIM 617333.

Submission:

Laboratorio de Genetica e Diagnostico Molecular, Hospital Israelita Albert Einstein
Classification: Likely pathogenic for Intellectual developmental disorder with dysmorphic facies and ptosis. Last evaluated: 2025-07-18. Review status: criteria provided, single submitter. Criteria: ACMG Guidelines, 2015. Collection method: clinical testing. Allele origin: germline. Affected: yes.
Comment: ACMG classification criteria: PVS1 very strong, PM2 supporting